The following is an entry in ClinVar:

NM_001270508.2(TNFAIP3):c.1129G>C (p.Val377Leu)

Gene: TNFAIP3 (TNF alpha induced protein 3; plus strand). Cytogenetic location: 6q23.3.
Variant type: single nucleotide variant.
Coding change: c.1129G>C on transcript NM_001270508.2 (MANE Select); coding-DNA position 1129, G replaced by C.
Protein change: p.Val377Leu; replaces valine 377 with leucine.
Molecular consequence: missense variant.
Genome position (GRCh38, 1-based): chr6:137,878,574, G>C. VCF-style: chr6-137878574-G-C. GRCh37 (hg19) VCF-style: chr6-138199711-G-C.
Other names: c.1129G>C, p.Val377Leu (NM_001270507.2, NM_006290.4); short protein forms V377L.
Identifiers: ClinVar variation 4746501 (VCV004746501.1).

ClinVar aggregate classification (germline): Uncertain significance (1 of 4 stars; one submission).

Submission:

Labcorp Genetics (formerly Invitae), Labcorp
Classification: Uncertain significance. Last evaluated: 2025-12-19. Review status: criteria provided, single submitter. Criteria: Invitae Variant Classification Sherloc (09022015). Collection method: clinical testing. Allele origin: germline.
Comment: This sequence change replaces valine, which is neutral and non-polar, with leucine, which is neutral and non-polar, at codon 377 of the TNFAIP3 protein (p.Val377Leu). This variant is not present in population databases (gnomAD no frequency). This variant has not been reported in the literature in individuals affected with TNFAIP3-related conditions. Invitae Evidence Modeling of protein sequence and biophysical properties (such as structural, functional, and spatial information, amino acid conservation, physicochemical variation, residue mobility, and thermodynamic stability) indicates that this missense variant is not expected to disrupt TNFAIP3 protein function with a negative predictive value of 80%. In summary, the available evidence is currently insufficient to determine the role of this variant in disease. Therefore, it has been classified as a Variant of Uncertain Significance.